The following is an entry in ClinVar:

NM_006642.5(SDCCAG8):c.498T>G (p.Ser166=)

Gene: SDCCAG8 (SHH signaling and ciliogenesis regulator SDCCAG8; plus strand). Cytogenetic location: 1q43.
Variant type: single nucleotide variant.
Coding change: c.498T>G on transcript NM_006642.5 (MANE Select); coding-DNA position 498, T replaced by G.
Protein change: p.Ser166=; no amino-acid change (serine 166 retained).
Molecular consequence: synonymous variant. On other transcripts: 5 prime UTR variant (3).
Genome position (GRCh38, 1-based): chr1:243,286,349, T>G. VCF-style: chr1-243286349-T-G. GRCh37 (hg19) VCF-style: chr1-243449651-T-G.
Other names: c.-615T>G (NM_001350246.2); c.-503T>G (NM_001350247.2); c.498T>G, p.Ser166= (NM_001350248.2); c.204T>G, p.Ser68= (NM_001350249.2); c.-876T>G (NM_001350251.2); c.498T>G (NM_006642.3).
Identifiers: ClinVar variation 1135677 (VCV001135677.11), dbSNP rs762183907, ClinGen allele CA1483324.
Genomic context (GRCh38, chr1:243,286,349, plus strand): 5'-GAAAAATAAAATACAAGTAGTTGTGCTTGAAAACGAAGGGCTCCAGCAACAGCTAAAATC[T>G]CAAAGACAAGAGGAGACACTGAGGGAACAAACACTTCTGGATGCATCCGTGAGCATTATT-3'
Protein context (NP_006633.1, residues 156-176): ENEGLQQQLK[Ser166=]QRQEETLREQ

ClinVar aggregate classification (germline): Likely benign. Review status: criteria provided, multiple submitters, no conflicts (2 of 4 stars). 3 submissions from 3 submitters: Likely benign (2). 1 of the submissions does not count toward it. Last evaluated 2025-08-12.

Conditions:
SDCCAG8-related disorder. Also called: SDCCAG8-Related Disorders; SDCCAG8-related condition.
Bardet-Biedl syndrome 16 (BBS16). Identifiers: Orphanet 110, MedGen C3889474, MONDO:0014444, OMIM 615993.
Senior-Loken syndrome 7 (SLSN7). Identifiers: Orphanet 3156, MedGen C3150877, MONDO:0013326, OMIM 613615.

Allele frequency attached by ClinVar (database versions not stated): gnomAD exomes 0.00002 and 0.00005; ExAC 0.00003.
gnomAD v4.1: 38 of 1,613,976 alleles (0.0024%); highest among the groups gnomAD compares: South Asian, 0.036%; no homozygotes.

Submissions (3):

Labcorp Genetics (formerly Invitae), Labcorp
Classification: Likely benign for Bardet-Biedl syndrome 16; Senior-Loken syndrome 7. Last evaluated: 2025-08-12. Review status: criteria provided, single submitter. Criteria: Invitae Variant Classification Sherloc (09022015). Collection method: clinical testing. Allele origin: germline.

Blueprint Genetics
Classification: Likely benign. Last evaluated: 2023-10-19. Review status: criteria provided, single submitter. Criteria: ACMG Guidelines, 2015. Collection method: clinical testing. Allele origin: germline.

PreventionGenetics, part of Exact Sciences
Classification: Likely benign for SDCCAG8-related condition. Last evaluated: 2024-03-13. Review status: no assertion criteria provided. Collection method: clinical testing. Allele origin: germline. Not counted in ClinVar's aggregate classification.
Comment: This variant is classified as likely benign based on ACMG/AMP sequence variant interpretation guidelines (Richards et al. 2015 PMID: 25741868, with internal and published modifications).